The following is an entry in ClinVar:

NC_000019.9:g.(?_50920292)_(50920536_?)dup

Gene: POLD1 (DNA polymerase delta 1, catalytic subunit; plus strand). Cytogenetic location: 19q13.33.
Variant type: Duplication.
Identifiers: ClinVar variation 642633 (VCV000642633.8).

ClinVar aggregate classification (germline): Uncertain significance (1 of 4 stars; one submission).

Conditions:
POLD1-related polyposis and colorectal cancer syndrome (CRCS10). Also called: Colorectal cancer, susceptibility to, 10; Colorectal cancer 10; COLORECTAL CANCER, SUSCEPTIBILITY TO, ON CHROMOSOME 19q. Identifiers: Orphanet 220460, MedGen C2675481, MONDO:0012953, OMIM 612591.

Submission:

Labcorp Genetics (formerly Invitae), Labcorp
Classification: Uncertain significance for POLD1-related polyposis and colorectal cancer syndrome. Last evaluated: 2018-11-19. Review status: criteria provided, single submitter. Criteria: Invitae Variant Classification Sherloc (09022015). Collection method: clinical testing. Allele origin: germline.
Comment: Missense variants that disrupt the 3'-5' exonuclease (proof-reading) activity of the POLD1 protein, while not abolishing its polymerase enzyme activity, are associated with an increased risk for colonic adenomatous polyps and colon cancer (PMID:¬†23263490,¬†23447401). Loss-of-function truncating variants, which result in an absent or severely disrupted POLD1 protein, are therefore unlikely to be associated with disease. Without further clinical and genetic evidence, however, this variant has been classified as a Variant of Uncertain Significance. Similar gains have not been reported in the literature in individuals with POLD1-related disease. This variant results in a copy number gain of the genomic region encompassing exons 25 and 26 of the POLD1 gene. While the exact position of this variant cannot be determined from this data, sub-genic copy number gains are generally in tandem (PMID: 25640679) and may result in an absent or disrupted protein product.

Literature cited by the submitters: PubMed 25640679.